The following is an entry in ClinVar:

ClinVar aggregate classification (germline): Uncertain significance (1 of 4 stars; one submission).

Submission:

GeneDx
Classification: Uncertain significance. Last evaluated: 2023-09-22. Review status: criteria provided, single submitter. Criteria: GeneDx Variant Classification Process June 2021. Collection method: clinical testing. Allele origin: germline. Affected: yes.
Comment: Has not been previously published as pathogenic or benign to our knowledge; Not observed at significant frequency in large population cohorts (gnomAD); In silico analysis supports that this missense variant has a deleterious effect on protein structure/function

NM_001830.4(CLCN4):c.1088C>T (p.Thr363Ile)

Gene: CLCN4 (chloride voltage-gated channel 4; plus strand). Cytogenetic location: Xp22.2.
Variant type: single nucleotide variant.
Coding change: c.1088C>T on transcript NM_001830.4 (MANE Select); coding-DNA position 1088, C replaced by T.
Protein change: p.Thr363Ile; replaces threonine 363 with isoleucine.
Molecular consequence: missense variant.
Genome position (GRCh38, 1-based): chrX:10,208,289, C>T. VCF-style: chrX-10208289-C-T. GRCh37 (hg19) VCF-style: chrX-10176329-C-T.
Other names: c.806C>T, p.Thr269Ile (NM_001256944.2); short protein forms T269I, T363I.
Identifiers: ClinVar variation 2504361 (VCV002504361.3), dbSNP rs2518885432, ClinGen allele CA412037829.